The following is an entry in ClinVar:

NM_001142864.4(PIEZO1):c.3583T>G (p.Tyr1195Asp)

Gene: PIEZO1 (piezo type mechanosensitive ion channel component 1 (Er blood group); minus strand). Cytogenetic location: 16q24.3.
Variant type: single nucleotide variant.
Coding change: c.3583T>G on transcript NM_001142864.4 (MANE Select); coding-DNA position 3583, T replaced by G.
Protein change: p.Tyr1195Asp; replaces tyrosine 1195 with aspartic acid.
Molecular consequence: missense variant.
Genome position (GRCh38, 1-based): chr16:88,726,831, A>C on the plus strand (T>G on the coding strand, the complement: PIEZO1 is on the minus strand). VCF-style: chr16-88726831-A-C. GRCh37 (hg19) VCF-style: chr16-88793239-A-C.
Other names: short protein forms Y1195D.
Identifiers: ClinVar variation 4808509 (VCV004808509.1).

ClinVar aggregate classification (germline): Uncertain significance (1 of 4 stars; one submission).

gnomAD v4.1: 2 of 1,550,376 alleles (0.00013%); highest among the groups gnomAD compares: Non-Finnish European, 0.00017%; no homozygotes.

Submission:

Labcorp Genetics (formerly Invitae), Labcorp
Classification: Uncertain significance. Last evaluated: 2025-10-11. Review status: criteria provided, single submitter. Criteria: Invitae Variant Classification Sherloc (09022015). Collection method: clinical testing. Allele origin: germline.
Comment: This sequence change replaces tyrosine, which is neutral and polar, with aspartic acid, which is acidic and polar, at codon 1195 of the PIEZO1 protein (p.Tyr1195Asp). This variant is not present in population databases (gnomAD no frequency). This variant has not been reported in the literature in individuals affected with PIEZO1-related conditions. Invitae Evidence Modeling of protein sequence and biophysical properties (such as structural, functional, and spatial information, amino acid conservation, physicochemical variation, residue mobility, and thermodynamic stability) indicates that this missense variant is expected to disrupt PIEZO1 protein function with a positive predictive value of 80%. In summary, the available evidence is currently insufficient to determine the role of this variant in disease. Therefore, it has been classified as a Variant of Uncertain Significance.